The following is an entry in ClinVar:

NM_175914.5(HNF4A):c.840G>A (p.Leu280=)

Gene: HNF4A (hepatocyte nuclear factor 4 alpha; plus strand). Cytogenetic location: 20q13.12.
Variant type: single nucleotide variant.
Coding change: c.840G>A on transcript NM_175914.5 (MANE Select); coding-DNA position 840, G replaced by A.
Protein change: p.Leu280=; no amino-acid change (leucine 280 retained).
Molecular consequence: synonymous variant.
Genome position (GRCh38, 1-based): chr20:44,424,031, G>A. VCF-style: chr20-44424031-G-A. GRCh37 (hg19) VCF-style: chr20-43052671-G-A.
Other names: c.906G>A, p.Leu302= (NM_000457.6, NM_178849.3, NM_178850.3); c.840G>A, p.Leu280= (NM_001030003.3, NM_001030004.3); c.885G>A, p.Leu295= (NM_001258355.2); c.831G>A, p.Leu277= (NM_001287182.2, NM_001287183.2, NM_001287184.2).
Identifiers: ClinVar variation 36362 (VCV000036362.6), dbSNP rs181559088, ClinGen allele CA213989.

ClinVar aggregate classification (germline): Likely benign. Review status: criteria provided, multiple submitters, no conflicts (2 of 4 stars). 2 submissions from 2 submitters: Likely benign (2). Last evaluated 2025-07-01.

Conditions:
Maturity-onset diabetes of the young (MODY). Also called: Maturity onset diabetes mellitus in young. Identifiers: Orphanet 552, MedGen C0342276, MONDO:0018911, HP:0004904.

Allele frequency attached by ClinVar (database versions not stated): ExAC 0.00001; 1000 Genomes Project 0.00020; 1000 Genomes Project 30x 0.00031; gnomAD exomes 0.00003; gnomAD 0.00006; TOPMed 0.00014.
gnomAD v4.1: 30 of 1,613,092 alleles (0.0019%); highest among the groups gnomAD compares: Admixed American, 0.042%; no homozygotes.

Submissions (2):

Women's Health and Genetics/Laboratory Corporation of America, LabCorp
Classification: Likely benign. Last evaluated: 2025-07-01. Review status: criteria provided, single submitter. Criteria: LabCorp Variant Classification Summary - May 2015. Collection method: clinical testing. Allele origin: germline.

Clinical Genomics, Uppaluri K&H Personalized Medicine Clinic
Classification: Likely benign for Maturity-onset diabetes of the young. Review status: criteria provided, single submitter. Criteria: K & H Uppaluri Personalized Medicine Clinic Variant Classification & Assertion Criteria_Updated V.1. Collection method: research. Allele origin: unknown. Inheritance: Autosomal dominant inheritance.
Comment: Potent mutations in HNF4A are associated with poor insulin secretion in response to hyperglycemia. Associated with MODY1. Patients initially respond well to sulfonylureas but eventually become insulin dependent. However, more evidence is required to ascertain the role of this particular variant rs181559088 in MODY, yet.

Literature cited by the submitters: DOI 10.1159/000334532 (cited by Clinical Genomics, Uppaluri K&H Personalized Medicine Clinic); PubMed 18268044 (cited by Clinical Genomics, Uppaluri K&H Personalized Medicine Clinic); PubMed 17563455 (cited by Clinical Genomics, Uppaluri K&H Personalized Medicine Clinic); PubMed 32583173 (cited by Clinical Genomics, Uppaluri K&H Personalized Medicine Clinic); PubMed 35052457 (cited by Clinical Genomics, Uppaluri K&H Personalized Medicine Clinic); PubMed 35118593 (cited by Clinical Genomics, Uppaluri K&H Personalized Medicine Clinic).